The following is an entry in ClinVar:

NM_005911.5(MAT2A):c.-132G>A

Genes: MAT2A (methionine adenosyltransferase 2A; plus strand), LOC129934215 (ATAC-STARR-seq lymphoblastoid silent region 11701; plus strand). Cytogenetic location: 2p11.2.
Variant type: single nucleotide variant.
Coding change: c.-132G>A on transcript NM_005911.5; 132 bases upstream of the start codon, G replaced by A.
Genome position (GRCh38, 1-based): chr2:85,539,156, G>A. VCF-style: chr2-85539156-G-A. GRCh37 (hg19) VCF-style: chr2-85766279-G-A.
Identifiers: ClinVar variation 679475 (VCV000679475.3), dbSNP rs6733827, ClinGen allele CA51721669.
Genomic context (GRCh38, chr2:85,539,156, plus strand): 5'-GAGGGGCGGGGCCCGAGCCGGGCGCGCGCGGGCGCTGCTCTATAAATACCGGGCCGCACC[G>A]CCCGCTGCTTCGTTCGCTCCGCGCCGCCCGCCTGCTACGAGTAGAACGCTGTCCGCAGCT-3'

ClinVar aggregate classification (germline): Likely benign (1 of 4 stars; one submission).

Allele frequency attached by ClinVar (database versions not stated): gnomAD exomes 0.00075; 1000 Genomes Project 0.00978; TOPMed 0.00965; gnomAD 0.00762; 1000 Genomes Project 30x 0.01140.

Submission:

GeneDx
Classification: Likely benign. Last evaluated: 2018-06-14. Review status: criteria provided, single submitter. Criteria: GeneDx Variant Classification (06012015). Collection method: clinical testing. Allele origin: germline. Affected: yes.
Comment: This variant is considered likely benign or benign based on one or more of the following criteria: it is a conservative change, it occurs at a poorly conserved position in the protein, it is predicted to be benign by multiple in silico algorithms, and/or has population frequency not consistent with disease.